The following is an entry in ClinVar:

NM_021629.4(GNB4):c.784_785insC (p.Leu262fs)

Gene: GNB4 (G protein subunit beta 4; minus strand). Cytogenetic location: 3q26.33.
Variant type: Insertion.
Coding change: c.784_785insC on transcript NM_021629.4 (MANE Select); coding-DNA positions 784 to 785, C inserted.
Protein change: p.Leu262fs; shifts the reading frame from leucine 262.
Molecular consequence: frameshift variant.
Genome position: GRCh38 VCF-style: chr3-179405321-A-AG. GRCh37 (hg19) VCF-style: chr3-179123109-A-AG.
Other names: short protein forms L262fs.
Identifiers: ClinVar variation 2884822 (VCV002884822.3), dbSNP rs1281666494, ClinGen allele CA548332103.

ClinVar aggregate classification (germline): Uncertain significance (1 of 4 stars; one submission).

Conditions:
Charcot-Marie-Tooth disease dominant intermediate F. Identifiers: Orphanet 352670, MedGen C4749463, MONDO:0014074, OMIM 615185.

Allele frequency attached by ClinVar (database versions not stated): gnomAD 0.00001; TOPMed 0.00001.

Submission:

Labcorp Genetics (formerly Invitae), Labcorp
Classification: Uncertain significance for Charcot-Marie-Tooth disease dominant intermediate F. Last evaluated: 2024-01-28. Review status: criteria provided, single submitter. Criteria: Invitae Variant Classification Sherloc (09022015). Collection method: clinical testing. Allele origin: germline.
Comment: This sequence change creates a premature translational stop signal (p.Leu262Serfs*6) in the GNB4 gene. It is expected to result in an absent or disrupted protein product. However, the current clinical and genetic evidence is not sufficient to establish whether loss-of-function variants in GNB4 cause disease. This variant is present in population databases (no rsID available, gnomAD 0.02%). This variant has not been reported in the literature in individuals affected with GNB4-related conditions. In summary, the available evidence is currently insufficient to determine the role of this variant in disease. Therefore, it has been classified as a Variant of Uncertain Significance.